The following is an entry in ClinVar:

NM_018052.5(VAC14):c.361G>A (p.Val121Ile)

Gene: VAC14 (VAC14 component of PIKFYVE complex; minus strand). Cytogenetic location: 16q22.1.
Variant type: single nucleotide variant.
Coding change: c.361G>A on transcript NM_018052.5 (MANE Select); coding-DNA position 361, G replaced by A.
Protein change: p.Val121Ile; replaces valine 121 with isoleucine.
Molecular consequence: missense variant. On other transcripts: 5 prime UTR variant (1).
Genome position (GRCh38, 1-based): chr16:70,785,764, C>T on the plus strand (G>A on the coding strand, the complement: VAC14 is on the minus strand). VCF-style: chr16-70785764-C-T. GRCh37 (hg19) VCF-style: chr16-70819667-C-T.
Other names: c.-342G>A (NM_001351157.2); c.361G>A (NM_018052.3); short protein forms V121I.
Identifiers: ClinVar variation 1431949 (VCV001431949.6), dbSNP rs372147246, ClinGen allele CA283510433.

ClinVar aggregate classification (germline): Uncertain significance. Review status: criteria provided, multiple submitters, no conflicts (2 of 4 stars). 2 submissions from 2 submitters: Uncertain significance (2). Last evaluated 2021-08-24.

Conditions:
Inborn genetic diseases. Identifiers: MedGen C0950123, MeSH D030342.

Allele frequency attached by ClinVar (database versions not stated): gnomAD 0.00001; gnomAD exomes 0.00001; TOPMed 0.00002.
gnomAD v4.1: 10 of 1,582,202 alleles (0.00063%); highest among the groups gnomAD compares: East Asian, 0.014%; no homozygotes.

Submissions (2):

Labcorp Genetics (formerly Invitae), Labcorp
Classification: Uncertain significance. Last evaluated: 2021-08-24. Review status: criteria provided, single submitter. Criteria: Invitae Variant Classification Sherloc (09022015). Collection method: clinical testing. Allele origin: germline.
Comment: This sequence change replaces valine with isoleucine at codon 121 of the VAC14 protein (p.Val121Ile). The valine residue is highly conserved and there is a small physicochemical difference between valine and isoleucine. This variant is not present in population databases (ExAC no frequency). This variant has not been reported in the literature in individuals affected with VAC14-related conditions. Algorithms developed to predict the effect of missense changes on protein structure and function are either unavailable or do not agree on the potential impact of this missense change (SIFT: "Tolerated"; PolyPhen-2: "Probably Damaging"; Align-GVGD: "Class C0"). In summary, the available evidence is currently insufficient to determine the role of this variant in disease. Therefore, it has been classified as a Variant of Uncertain Significance.

Ambry Genetics
Classification: Uncertain significance for Inborn genetic diseases. Last evaluated: 2021-01-28. Review status: criteria provided, single submitter. Criteria: Ambry Variant Classification Scheme 2023. Collection method: clinical testing. Allele origin: germline.
Comment: The c.361G>A (p.V121I) alteration is located in exon 3 (coding exon 3) of the VAC14 gene. This alteration results from a G to A substitution at nucleotide position 361, causing the valine (V) at amino acid position 121 to be replaced by an isoleucine (I). The p.V121I alteration is predicted to be tolerated by in silico analysis. Based on insufficient or conflicting evidence, the clinical significance of this alteration remains unclear.